The following is an entry in ClinVar:

ClinVar aggregate classification (germline): Uncertain significance. Review status: criteria provided, multiple submitters, no conflicts (2 of 4 stars). 2 submissions from 2 submitters: Uncertain significance (2). Last evaluated 2025-09-15.

Conditions:
Familial thoracic aortic aneurysm and aortic dissection (TAAD). Also called: Thoracic aortic aneurysms and dissections. Identifiers: Orphanet 91387, MedGen C4707243, MONDO:0019625.
Hereditary cancer-predisposing syndrome. Also called: Hereditary Cancer Syndrome; Neoplastic Syndromes, Hereditary; Tumor predisposition; Hereditary neoplastic syndrome. Identifiers: Orphanet 140162, MedGen C0027672, MeSH D009386, MONDO:0015356.
Juvenile polyposis syndrome (JPS). Identifiers: Orphanet 2929, MedGen C0345893, MONDO:0017380, OMIM 174900.

Allele frequency attached by ClinVar (database versions not stated): gnomAD exomes below 0.00001.
gnomAD v4.1: 1 of 1,614,188 alleles (0.000062%); highest among the groups gnomAD compares: Non-Finnish European, 0.000085%; no homozygotes.

Submissions (2):

Labcorp Genetics (formerly Invitae), Labcorp
Classification: Uncertain significance for Juvenile polyposis syndrome. Last evaluated: 2025-09-15. Review status: criteria provided, single submitter. Criteria: Invitae Variant Classification Sherloc (09022015). Collection method: clinical testing. Allele origin: germline.
Comment: This sequence change replaces threonine, which is neutral and polar, with isoleucine, which is neutral and non-polar, at codon 521 of the SMAD4 protein (p.Thr521Ile). This variant is present in population databases (no rsID available, gnomAD 0.0009%). This variant has not been reported in the literature in individuals affected with SMAD4-related conditions. ClinVar contains an entry for this variant (Variation ID: 232559). Invitae Evidence Modeling of protein sequence and biophysical properties (such as structural, functional, and spatial information, amino acid conservation, physicochemical variation, residue mobility, and thermodynamic stability) has been performed for this missense variant. However, the output from this modeling did not meet the statistical confidence thresholds required to predict the impact of this variant on SMAD4 protein function. In summary, the available evidence is currently insufficient to determine the role of this variant in disease. Therefore, it has been classified as a Variant of Uncertain Significance.

Ambry Genetics
Classification: Uncertain significance for Hereditary cancer-predisposing syndrome; Familial thoracic aortic aneurysm and aortic dissection. Last evaluated: 2025-01-13. Review status: criteria provided, single submitter. Criteria: Ambry Variant Classification Scheme 2023. Collection method: clinical testing. Allele origin: germline.
Comment: The p.T521I variant (also known as c.1562C>T), located in coding exon 11 of the SMAD4 gene, results from a C to T substitution at nucleotide position 1562. The threonine at codon 521 is replaced by isoleucine, an amino acid with similar properties. This amino acid position is highly conserved in available vertebrate species. In addition, this alteration is predicted to be deleterious by in silico analysis. Based on the available evidence, the clinical significance of this variant remains unclear.

NM_005359.6(SMAD4):c.1562C>T (p.Thr521Ile)

Gene: SMAD4 (SMAD family member 4; plus strand). Cytogenetic location: 18q21.2.
Variant type: single nucleotide variant.
Coding change: c.1562C>T on transcript NM_005359.6 (MANE Select); coding-DNA position 1562, C replaced by T.
Protein change: p.Thr521Ile; replaces threonine 521 with isoleucine.
Molecular consequence: missense variant.
Genome position (GRCh38, 1-based): chr18:51,078,370, C>T. VCF-style: chr18-51078370-C-T. GRCh37 (hg19) VCF-style: chr18-48604740-C-T.
Other names: short protein forms T521I.
Identifiers: ClinVar variation 232559 (VCV000232559.14), dbSNP rs876659840, ClinGen allele CA10580991.